The following is an entry in ClinVar:

ClinVar aggregate classification (germline): Uncertain significance. Review status: criteria provided, multiple submitters, no conflicts (2 of 4 stars). 2 submissions from 2 submitters: Uncertain significance (2). Last evaluated 2022-02-11.

Conditions:
Glycogen storage disease due to muscle beta-enolase deficiency (GSD13). Also called: ENOLASE 3 DEFICIENCY; ENOLASE-BETA DEFICIENCY; GSD XIII; Glycogen Storage Disease Type XIII. Identifiers: Orphanet 99849, MedGen C2752027, MONDO:0013046, OMIM 612932.

Allele frequency attached by ClinVar (database versions not stated): gnomAD 0.00001; TOPMed 0.00002; ExAC 0.00003.
gnomAD v4.1: 12 of 1,614,062 alleles (0.00074%); highest among the groups gnomAD compares: South Asian, 0.0044%; no homozygotes.

Submissions (2):

Labcorp Genetics (formerly Invitae), Labcorp
Classification: Uncertain significance for Glycogen storage disease due to muscle beta-enolase deficiency. Last evaluated: 2022-02-11. Review status: criteria provided, single submitter. Criteria: Invitae Variant Classification Sherloc (09022015). Collection method: clinical testing. Allele origin: germline.
Comment: This sequence change replaces arginine, which is basic and polar, with histidine, which is basic and polar, at codon 426 of the ENO3 protein (p.Arg426His). This variant is present in population databases (rs750306194, gnomAD 0.006%). This variant has not been reported in the literature in individuals affected with ENO3-related conditions. Algorithms developed to predict the effect of missense changes on protein structure and function output the following: SIFT: "Tolerated"; PolyPhen-2: "Benign"; Align-GVGD: "Class C0". The histidine amino acid residue is found in multiple mammalian species, which suggests that this missense change does not adversely affect protein function. In summary, the available evidence is currently insufficient to determine the role of this variant in disease. Therefore, it has been classified as a Variant of Uncertain Significance.

Victorian Clinical Genetics Services, Murdoch Childrens Research Institute
Classification: Uncertain significance for Glycogen storage disease due to muscle beta-enolase deficiency. Last evaluated: 2020-05-25. Review status: criteria provided, single submitter. Criteria: ACMG Guidelines, 2015. Collection method: clinical testing. Allele origin: germline. Inheritance: Autosomal recessive inheritance. Affected: yes.
Comment: A heterozygous missense variant was identified, NM_001976.4(ENO3):c.1277G>A in exon 12 of 12 of the ENO3 gene. This substitution is predicted to create a minor amino acid change from arginine to histidine at position 426 of the protein, NP_001967.3(ENO3):p.(Arg426His). The arginine at this position has low conservation (100 vertebrates, UCSC), and is located within the enolase C-terminal TIM barrel domain. In silico software predictions of the pathogenicity of this variant are conflicting (Polyphen, SIFT, CADD, Mutation Taster). The variant is present in the gnomAD population database at a frequency of 0.0016% (4 heterozygotes, 0 homozygotes). An alternative residue change at the same location has been reported in the gnomAD database at a frequency of 0.01%. The variant has not been previously reported in clinical cases. Based on information available at the time of curation, this variant has been classified as a VARIANT of UNCERTAIN SIGNIFICANCE (VUS) with LOW CLINICAL RELEVANCE. Legend: (P) - Pathogenic, (N) - Neutral, (B) - Benign

NM_053013.4(ENO3):c.1277G>A (p.Arg426His)

Gene: ENO3 (enolase 3; plus strand). Cytogenetic location: 17p13.2.
Variant type: single nucleotide variant.
Coding change: c.1277G>A on transcript NM_053013.4 (MANE Select); coding-DNA position 1277, G replaced by A.
Protein change: p.Arg426His; replaces arginine 426 with histidine.
Molecular consequence: missense variant.
Genome position (GRCh38, 1-based): chr17:4,957,019, G>A. VCF-style: chr17-4957019-G-A. GRCh37 (hg19) VCF-style: chr17-4860314-G-A.
Other names: c.1148G>A, p.Arg383His (NM_001193503.2); c.1277G>A, p.Arg426His (NM_001374523.1, NM_001976.5); c.1304G>A, p.Arg435His (NM_001374524.1); short protein forms R383H, R426H, R435H.
Identifiers: ClinVar variation 1805690 (VCV001805690.3), dbSNP rs750306194, ClinGen allele CA8316635.